The following is an entry in ClinVar:

NM_005732.4(RAD50):c.2397G>A (p.Gln799=)

Gene: RAD50 (RAD50 double strand break repair protein; plus strand). Cytogenetic location: 5q31.1.
Variant type: single nucleotide variant.
Coding change: c.2397G>A on transcript NM_005732.4 (MANE Select); coding-DNA position 2397, G replaced by A.
Protein change: p.Gln799=; no amino-acid change (glutamine 799 retained).
Molecular consequence: synonymous variant.
Genome position (GRCh38, 1-based): chr5:132,603,489, G>A. VCF-style: chr5-132603489-G-A. GRCh37 (hg19) VCF-style: chr5-131939181-G-A.
Identifiers: ClinVar variation 484659 (VCV000484659.11), dbSNP rs61749630, ClinGen allele CA446363811.

ClinVar aggregate classification (germline): Uncertain significance. Review status: criteria provided, multiple submitters, no conflicts (2 of 4 stars). 2 submissions from 2 submitters: Uncertain significance (2). Last evaluated 2021-09-15.

Conditions:
Hereditary cancer-predisposing syndrome. Also called: Neoplastic Syndromes, Hereditary; Tumor predisposition; Hereditary Cancer Syndrome; Hereditary neoplastic syndrome. Identifiers: Orphanet 140162, MedGen C0027672, MeSH D009386, MONDO:0015356.

Submissions (2):

Labcorp Genetics (formerly Invitae), Labcorp
Classification: Uncertain significance for Hereditary cancer-predisposing syndrome. Last evaluated: 2021-09-15. Review status: criteria provided, single submitter. Criteria: Invitae Variant Classification Sherloc (09022015). Collection method: clinical testing. Allele origin: germline.
Comment: This variant has not been reported in the literature in individuals affected with RAD50-related conditions. This variant is not present in population databases (ExAC no frequency). This sequence change affects codon 799 of the RAD50 mRNA. It is a 'silent' change, meaning that it does not change the encoded amino acid sequence of the RAD50 protein. This variant also falls at the last nucleotide of exon 14, which is part of the consensus splice site for this exon. In summary, the available evidence is currently insufficient to determine the role of this variant in disease. Therefore, it has been classified as a Variant of Uncertain Significance. Variants that disrupt the consensus splice site are a relatively common cause of aberrant splicing (PMID: 17576681, 9536098). Algorithms developed to predict the effect of sequence changes on RNA splicing suggest that this variant is not likely to affect RNA splicing. ClinVar contains an entry for this variant (Variation ID: 484659).

Ambry Genetics
Classification: Uncertain significance for Hereditary cancer-predisposing syndrome. Last evaluated: 2016-07-22. Review status: criteria provided, single submitter. Criteria: Ambry Variant Classification Scheme 2023. Collection method: clinical testing. Allele origin: germline.
Comment: The c.2397G>A variant (also known as p.Q799Q), located in coding exon 14 of the RAD50 gene, results from a G to A substitution at nucleotide position 2397. This nucleotide substitution does not change the at codon 799. However, this change occurs in the last base pair of coding exon 14, which makes it likely to have some effect on normal mRNA splicing. This alteration is predicted by the ESEfinder model to weaken the efficiency of the native splice donor site, but is not predicted to have a deleterious effect on splicing by the BDGP in silico tool; however, direct evidence is unavailable. This variant was not reported in population based cohorts in the following databases: Database of Single Nucleotide Polymorphisms (dbSNP), NHLBI Exome Sequencing Project (ESP), and 1000 Genomes Project. In the ESP, this variant was not observed in 6503 samples (13006 alleles) with coverage at this position. To date, this alteration has been detected with an allele frequency of approximately 0.001% (greater than 75000 alleles tested) in our clinical cohort. This nucleotide position is highly conserved in available vertebrate species. Since supporting evidence is limited at this time, the clinical significance of this alteration remains unclear.

Literature cited by the submitters: PubMed 17576681 (cited by Labcorp Genetics (formerly Invitae), Labcorp); PubMed 9536098 (cited by Labcorp Genetics (formerly Invitae), Labcorp).